The following is an entry in ClinVar:

NM_031466.8(TRAPPC9):c.-256G>A

Gene: TRAPPC9 (trafficking protein particle complex subunit 9; minus strand). Cytogenetic location: 8q24.3.
Variant type: single nucleotide variant.
Coding change: c.-256G>A on transcript NM_031466.8; 256 bases upstream of the start codon, G replaced by A.
Molecular consequence: 5 prime UTR variant.
Genome position (GRCh38, 1-based): chr8:140,458,526, C>T on the plus strand (G>A on the coding strand, the complement: TRAPPC9 is on the minus strand). VCF-style: chr8-140458526-C-T. GRCh37 (hg19) VCF-style: chr8-141468625-C-T.
Identifiers: ClinVar variation 759168 (VCV000759168.14), dbSNP rs144294636, ClinGen allele CA4893895.

ClinVar aggregate classification (germline): Likely benign. Review status: criteria provided, multiple submitters, no conflicts (2 of 4 stars). 3 submissions from 3 submitters: Likely benign (2). 1 of the submissions does not count toward it. Last evaluated 2025-11-02.

Conditions:
TRAPPC9-related disorder. Also called: TRAPPC9-related condition.

Allele frequency attached by ClinVar (database versions not stated): gnomAD exomes 0.00010; gnomAD 0.00016; TOPMed 0.00006; ExAC 0.00022; ESP Exome Variant Server 0.00008.
gnomAD v4.1: 269 of 1,583,576 alleles (0.017%); highest among the groups gnomAD compares: Admixed American, 0.027%; no homozygotes.

Submissions (3):

Labcorp Genetics (formerly Invitae), Labcorp
Classification: Likely benign. Last evaluated: 2025-11-02. Review status: criteria provided, single submitter. Criteria: Invitae Variant Classification Sherloc (09022015). Collection method: clinical testing. Allele origin: germline.

Genetic Services Laboratory, University of Chicago
Classification: Likely benign. Last evaluated: 2017-07-06. Review status: criteria provided, single submitter. Criteria: ACMG Guidelines, 2015. Collection method: clinical testing. Allele origin: germline. Affected: no.

PreventionGenetics, part of Exact Sciences
Classification: Likely benign for TRAPPC9-related condition. Last evaluated: 2021-03-19. Review status: no assertion criteria provided. Collection method: clinical testing. Allele origin: germline. Not counted in ClinVar's aggregate classification.
Comment: This variant is classified as likely benign based on ACMG/AMP sequence variant interpretation guidelines (Richards et al. 2015 PMID: 25741868, with internal and published modifications).